The following is an entry in ClinVar:

ClinVar aggregate classification (germline): Benign/Likely benign. Review status: criteria provided, multiple submitters, no conflicts (2 of 4 stars). 6 submissions from 6 submitters: Benign (1); Likely benign (5). Last evaluated 2026-01-19.

Conditions:
Congenital heart disease (CHD). Identifiers: MedGen C0152021, MONDO:0005453. Disease mechanism: unknown.
Inborn genetic diseases. Identifiers: MedGen C0950123, MeSH D030342.

Allele frequency attached by ClinVar (database versions not stated): ExAC 0.00002; gnomAD exomes 0.00004 and 0.00013; gnomAD 0.00005 and 0.00006; TOPMed 0.00008.
gnomAD v4.1: 149 of 1,208,237 alleles (0.012%); highest among the groups gnomAD compares: Non-Finnish European, 0.016%; no homozygotes.

Submissions (6):

Women's Health and Genetics/Laboratory Corporation of America, LabCorp
Classification: Likely benign. Last evaluated: 2026-01-19. Review status: criteria provided, single submitter. Criteria: LabCorp Variant Classification Summary - May 2015. Collection method: clinical testing. Allele origin: germline.
Comment: Variant summary: POLA1 c.4333G>A (p.Gly1445Ser) results in a non-conservative amino acid change in the encoded protein sequence. Algorithms developed to predict the effect of missense changes on protein structure and function are either unavailable or do not agree on the potential impact of this missense change. The variant allele was found at a frequency of 0.00012 in 1208237 control chromosomes, predominantly at a frequency of 0.00016 within the Non-Finnish European subpopulation in the gnomAD database. Although this frequency is not significantly higher than estimated for disease-causing variants in POLA1, the variant is found in 58 hemizygous control individuals in the gnomAD database, suggesting it is unlikely to be associated with a highly penetrant, early onset disease phenotype. To our knowledge, no occurrence of c.4333G>A in individuals affected with POLA1-related conditions and no experimental evidence demonstrating its impact on protein function have been reported. ClinVar contains an entry for this variant (Variation ID: 1444396). Based on the evidence outlined above, the variant was classified as likely benign.

CeGaT Center for Human Genetics Tuebingen
Classification: Likely benign. Last evaluated: 2026-01-01. Review status: criteria provided, single submitter. Criteria: CeGaT Center For Human Genetics Tuebingen Variant Classification Criteria Version 2. Collection method: clinical testing. Allele origin: germline. Affected: yes. Observed: 1 variant allele.
Comment: POLA1: BP4, BS2

Labcorp Genetics (formerly Invitae), Labcorp
Classification: Benign. Last evaluated: 2025-12-03. Review status: criteria provided, single submitter. Criteria: Invitae Variant Classification Sherloc (09022015). Collection method: clinical testing. Allele origin: germline.

Blueprint Genetics
Classification: Likely benign. Last evaluated: 2023-05-02. Review status: criteria provided, single submitter. Criteria: ACMG Guidelines, 2015. Collection method: clinical testing. Allele origin: germline.

Ambry Genetics
Classification: Likely benign for Inborn genetic diseases. Last evaluated: 2023-02-09. Review status: criteria provided, single submitter. Criteria: Ambry Variant Classification Scheme 2023. Collection method: clinical testing. Allele origin: germline.

Cambridge Genomics Laboratory, East Genomic Laboratory Hub, NHS Genomic Medicine Service
Classification: Likely benign for Congenital heart disease. Last evaluated: 2020-04-21. Review status: criteria provided, single submitter. Criteria: ACGS Best Practice Guidelines for Variant Classification in Rare Disease 2020. Collection method: clinical testing. Allele origin: germline. Affected: yes. Observed: 1 variant allele.

NM_001330360.2(POLA1):c.4351G>A (p.Gly1451Ser)

Gene: POLA1 (DNA polymerase alpha 1, catalytic subunit; plus strand). Cytogenetic location: Xp21.3.
Variant type: single nucleotide variant.
Coding change: c.4351G>A on transcript NM_001330360.2 (MANE Select); coding-DNA position 4351, G replaced by A.
Protein change: p.Gly1451Ser; replaces glycine 1451 with serine.
Molecular consequence: missense variant. On other transcripts: non-coding transcript variant (2).
Genome position (GRCh38, 1-based): chrX:24,995,894, G>A. VCF-style: chrX-24995894-G-A. GRCh37 (hg19) VCF-style: chrX-25014011-G-A.
Other names: c.4276G>A, p.Gly1426Ser (NM_001378303.1); c.4333G>A, p.Gly1445Ser (NM_016937.4); c.4333G>A (NM_016937.3); short protein forms G1426S, G1445S, G1451S.
Identifiers: ClinVar variation 1444396 (VCV001444396.16), dbSNP rs764912556, ClinGen allele CA10373740.
Genomic context (GRCh38, chrX:24,995,894, plus strand): 5'-AAAGTTCTGCAGGACTACAGAAAACTCAAGAACACAGCAGAGCAATTCTTGTCCCGAAGT[G>A]GCTACTCCGAAGTGAATCTGAGCAAACTCTTCGCTGGTTGTGCCGTGAAATCCTAAGGGA-3'
Protein context (NP_001317289.1, residues 1441-1461): NTAEQFLSRS[Gly1451Ser]YSEVNLSKLF